The following is an entry in ClinVar:

NM_001079.4(ZAP70):c.1645A>G (p.Met549Val)

Gene: ZAP70 (zeta chain of T cell receptor associated protein kinase 70; plus strand). Cytogenetic location: 2q11.2.
Variant type: single nucleotide variant.
Coding change: c.1645A>G on transcript NM_001079.4 (MANE Select); coding-DNA position 1645, A replaced by G.
Protein change: p.Met549Val; replaces methionine 549 with valine.
Molecular consequence: missense variant.
Genome position (GRCh38, 1-based): chr2:97,738,016, A>G. VCF-style: chr2-97738016-A-G. GRCh37 (hg19) VCF-style: chr2-98354479-A-G.
Other names: c.1645A>G, p.Met549Val (NM_001378594.1); c.724A>G, p.Met242Val (NM_207519.2); short protein forms M549V, M242V.
Identifiers: ClinVar variation 337637 (VCV000337637.26), dbSNP rs150950017, ClinGen allele CA1790529.
Genomic context (GRCh38, chr2:97,738,016, plus strand): 5'-ACTGGTCACTCACAGGTGTCTCTGCCCCGGCTTGAGCAGAAGATGAAAGGGCCGGAGGTC[A>G]TGGCCTTCATCGAGCAGGGCAAGCGGATGGAGTGCCCACCAGAGTGTCCACCCGAACTGT-3'
Protein context (NP_001070.2, residues 539-559): PYKKMKGPEV[Met549Val]AFIEQGKRME

ClinVar aggregate classification (germline): Uncertain significance. Review status: criteria provided, multiple submitters, no conflicts (2 of 4 stars). 6 submissions from 6 submitters: Uncertain significance (6). Last evaluated 2025-11-01.

Conditions:
Combined immunodeficiency due to ZAP70 deficiency (IMD48). Also called: ZAP70 Deficiency; Immunodeficiency 48. Identifiers: Orphanet 911, MedGen C2931299, MONDO:0010023, OMIM 269840.
Autoimmune disease, multisystem, infantile-onset, 2 (ADMIO2). Identifiers: MedGen C4310768, MONDO:0014861, OMIM 617006.
Inborn genetic diseases. Identifiers: MedGen C0950123, MeSH D030342.

Allele frequency attached by ClinVar (database versions not stated): TOPMed 0.00020; ExAC 0.00033; gnomAD 0.00035 and 0.00036; ESP Exome Variant Server 0.00038; gnomAD exomes 0.00025 and 0.00032.

Submissions (6):

CeGaT Center for Human Genetics Tuebingen
Classification: Uncertain significance. Last evaluated: 2025-11-01. Review status: criteria provided, single submitter. Criteria: CeGaT Center For Human Genetics Tuebingen Variant Classification Criteria Version 2. Collection method: clinical testing. Allele origin: germline. Affected: yes. Observed: 1 variant allele.
Comment: ZAP70: PM2, BP4

Fulgent Genetics
Classification: Uncertain significance for Combined immunodeficiency due to ZAP70 deficiency; Autoimmune disease, multisystem, infantile-onset, 2. Last evaluated: 2024-03-11. Review status: criteria provided, single submitter. Criteria: ACMG Guidelines, 2015. Collection method: clinical testing. Allele origin: germline.

Labcorp Genetics (formerly Invitae), Labcorp
Classification: Uncertain significance for Combined immunodeficiency due to ZAP70 deficiency. Last evaluated: 2022-10-04. Review status: criteria provided, single submitter. Criteria: Invitae Variant Classification Sherloc (09022015). Collection method: clinical testing. Allele origin: germline.
Comment: This sequence change replaces methionine, which is neutral and non-polar, with valine, which is neutral and non-polar, at codon 549 of the ZAP70 protein (p.Met549Val). This variant is present in population databases (rs150950017, gnomAD 0.06%). This variant has not been reported in the literature in individuals affected with ZAP70-related conditions. ClinVar contains an entry for this variant (Variation ID: 337637). Algorithms developed to predict the effect of missense changes on protein structure and function are either unavailable or do not agree on the potential impact of this missense change (SIFT: "Not Available"; PolyPhen-2: "Benign"; Align-GVGD: "Not Available"). In summary, the available evidence is currently insufficient to determine the role of this variant in disease. Therefore, it has been classified as a Variant of Uncertain Significance.

Ambry Genetics
Classification: Uncertain significance for Inborn genetic diseases. Last evaluated: 2021-10-12. Review status: criteria provided, single submitter. Criteria: Ambry Variant Classification Scheme 2023. Collection method: clinical testing. Allele origin: germline.

Mayo Clinic Laboratories, Mayo Clinic
Classification: Uncertain significance. Last evaluated: 2021-01-28. Review status: criteria provided, single submitter. Criteria: ACMG Guidelines, 2015. Collection method: clinical testing. Allele origin: germline. Observed: 1 variant allele.

Illumina Laboratory Services, Illumina
Classification: Uncertain significance for Combined immunodeficiency due to ZAP70 deficiency. Last evaluated: 2018-01-13. Review status: criteria provided, single submitter. Criteria: ICSL Variant Classification Criteria 13 December 2019. Collection method: clinical testing. Allele origin: germline.